The following is an entry in ClinVar:

ClinVar aggregate classification (germline): Uncertain significance (1 of 4 stars; one submission).

Conditions:
Primary ciliary dyskinesia. Also called: Ciliary dyskinesia. Identifiers: Orphanet 244, MedGen C0008780, MONDO:0016575, HP:0012265.

Allele frequency attached by ClinVar (database versions not stated): TOPMed 0.00001; gnomAD exomes below 0.00001.
gnomAD v4.1: 2 of 1,613,242 alleles (0.00012%); highest among the groups gnomAD compares: Admixed American, 0.0017%; no homozygotes.

Submission:

Labcorp Genetics (formerly Invitae), Labcorp
Classification: Uncertain significance for Primary ciliary dyskinesia. Last evaluated: 2022-04-20. Review status: criteria provided, single submitter. Criteria: Invitae Variant Classification Sherloc (09022015). Collection method: clinical testing. Allele origin: germline.
Comment: This sequence change affects codon 874 of the CCDC39 mRNA. It is a 'silent' change, meaning that it does not change the encoded amino acid sequence of the CCDC39 protein. This variant is not present in population databases (gnomAD no frequency). This variant has not been reported in the literature in individuals affected with CCDC39-related conditions. Algorithms developed to predict the effect of sequence changes on RNA splicing suggest that this variant may disrupt the consensus splice site. In summary, the available evidence is currently insufficient to determine the role of this variant in disease. Therefore, it has been classified as a Variant of Uncertain Significance.

NM_181426.2(CCDC39):c.2622C>T (p.Gly874=)

Genes: CCDC39 (coiled-coil domain 39 molecular ruler complex subunit; minus strand), TTC14 (tetratricopeptide repeat domain 14; plus strand). Cytogenetic location: 3q26.33.
Variant type: single nucleotide variant.
Coding change: c.2622C>T on transcript NM_181426.2 (MANE Select); coding-DNA position 2622, C replaced by T.
Protein change: p.Gly874=; no amino-acid change (glycine 874 retained).
Molecular consequence: synonymous variant. On other transcripts: intron variant (1).
Genome position (GRCh38, 1-based): chr3:180,616,328, G>A on the plus strand (C>T on the coding strand, the complement: CCDC39 is on the minus strand). VCF-style: chr3-180616328-G-A. GRCh37 (hg19) VCF-style: chr3-180334116-G-A.
Other names: c.1775-1052G>A (NM_001288582.2).
Identifiers: ClinVar variation 2173137 (VCV002173137.2), dbSNP rs1279047184, ClinGen allele CA437070247.